The following is an entry in ClinVar:

NM_016333.4(SRRM2):c.5782C>T (p.Pro1928Ser)

Gene: SRRM2 (serine/arginine repetitive matrix 2; plus strand). Cytogenetic location: 16p13.3.
Variant type: single nucleotide variant.
Coding change: c.5782C>T on transcript NM_016333.4 (MANE Select); coding-DNA position 5782, C replaced by T.
Protein change: p.Pro1928Ser; replaces proline 1928 with serine.
Molecular consequence: missense variant.
Genome position (GRCh38, 1-based): chr16:2,766,310, C>T. VCF-style: chr16-2766310-C-T. GRCh37 (hg19) VCF-style: chr16-2816311-C-T.
Other names: short protein forms P1928S.
Identifiers: ClinVar variation 2504770 (VCV002504770.2), dbSNP rs2068540737, ClinGen allele CA394424402.
Genomic context (GRCh38, chr16:2,766,310, plus strand): 5'-CGACGAAGATCCCGGTCAAGAGCATCCCCAGTGAGCAGAAGGCGATCCAGATCCAGAACG[C>T]CACCAGTAACCCGCCGTCGTTCAAGGTCTAGAACGCCAACAACACGCCGCCGCTCCCGTT-3'
Protein context (NP_057417.3, residues 1918-1938): VSRRRSRSRT[Pro1928Ser]PVTRRRSRSR

ClinVar aggregate classification (germline): Uncertain significance. Review status: criteria provided, multiple submitters, no conflicts (2 of 4 stars). 2 submissions from 2 submitters: Uncertain significance (2). Last evaluated 2025-12-11.

Conditions:
Inborn genetic diseases. Identifiers: MedGen C0950123, MeSH D030342.

Allele frequency attached by ClinVar (database versions not stated): TOPMed 0.00001.

Submissions (2):

Ambry Genetics
Classification: Uncertain significance for Inborn genetic diseases. Last evaluated: 2025-12-11. Review status: criteria provided, single submitter. Criteria: Ambry Variant Classification Scheme 2023. Collection method: clinical testing. Allele origin: germline.

GeneDx
Classification: Uncertain significance. Last evaluated: 2022-12-09. Review status: criteria provided, single submitter. Criteria: GeneDx Variant Classification Process June 2021. Collection method: clinical testing. Allele origin: germline. Affected: yes.
Comment: Has not been previously published as pathogenic or benign to our knowledge; Not observed at significant frequency in large population cohorts (gnomAD); In silico analysis supports that this missense variant does not alter protein structure/function